The following is an entry in ClinVar:

ClinVar aggregate classification (germline): Uncertain significance (1 of 4 stars; one submission).

Conditions:
Hereditary pancreatitis (PCTT). Also called: PRSS1-Related Hereditary Pancreatitis; Hereditary chronic pancreatitis. Identifiers: Orphanet 676, MedGen C0238339, MONDO:0008185, OMIM 167800.

Allele frequency attached by ClinVar (database versions not stated): ExAC 0.00001; gnomAD 0.00001; 1000 Genomes Project 0.00020; 1000 Genomes Project 30x 0.00031.
gnomAD v4.1: 2 of 1,613,906 alleles (0.00012%); highest among the groups gnomAD compares: Non-Finnish European, 0.00017%; no homozygotes.

Submission:

Ambry Genetics
Classification: Uncertain significance for Hereditary pancreatitis. Last evaluated: 2024-11-25. Review status: criteria provided, single submitter. Criteria: Ambry Variant Classification Scheme 2023. Collection method: clinical testing. Allele origin: germline.
Comment: The p.K334R variant (also known as c.1001A>G), located in coding exon 9 of the CPA1 gene, results from an A to G substitution at nucleotide position 1001. The lysine at codon 334 is replaced by arginine, an amino acid with highly similar properties. This amino acid position is conserved. In addition, this alteration is predicted to be tolerated by in silico analysis. Since supporting evidence is limited at this time, the clinical significance of this alteration remains unclear.

NM_001868.4(CPA1):c.1001A>G (p.Lys334Arg)

Gene: CPA1 (carboxypeptidase A1; plus strand). Cytogenetic location: 7q32.2.
Variant type: single nucleotide variant.
Coding change: c.1001A>G on transcript NM_001868.4 (MANE Select); coding-DNA position 1001, A replaced by G.
Protein change: p.Lys334Arg; replaces lysine 334 with arginine.
Molecular consequence: missense variant.
Genome position (GRCh38, 1-based): chr7:130,385,852, A>G. VCF-style: chr7-130385852-A-G. GRCh37 (hg19) VCF-style: chr7-130025693-A-G.
Other names: short protein forms K334R.
Identifiers: ClinVar variation 1764422 (VCV001764422.3), dbSNP rs561099232, ClinGen allele CA4485026.